The following is an entry in ClinVar:

NM_053025.4(MYLK):c.608C>A (p.Pro203Gln)

Gene: MYLK (myosin light chain kinase; minus strand). Cytogenetic location: 3q21.1.
Variant type: single nucleotide variant.
Coding change: c.608C>A on transcript NM_053025.4 (MANE Select); coding-DNA position 608, C replaced by A.
Protein change: p.Pro203Gln; replaces proline 203 with glutamine.
Molecular consequence: missense variant.
Genome position (GRCh38, 1-based): chr3:123,737,524, G>T on the plus strand (C>A on the coding strand, the complement: MYLK is on the minus strand). VCF-style: chr3-123737524-G-T. GRCh37 (hg19) VCF-style: chr3-123456371-G-T.
Other names: c.80C>A, p.Pro27Gln (NM_001321309.2); c.608C>A, p.Pro203Gln (NM_053026.4, NM_053027.4, NM_053028.4); short protein forms P203Q, P27Q.
Identifiers: ClinVar variation 471740 (VCV000471740.14), dbSNP rs772426809, ClinGen allele CA073352.

ClinVar aggregate classification (germline): Uncertain significance. Review status: criteria provided, multiple submitters, no conflicts (2 of 4 stars). 3 submissions from 3 submitters: Uncertain significance (3). Last evaluated 2025-12-22.

Conditions:
Familial thoracic aortic aneurysm and aortic dissection (TAAD). Also called: Thoracic aortic aneurysms and dissections. Identifiers: Orphanet 91387, MedGen C4707243, MONDO:0019625.
Aortic aneurysm, familial thoracic 7 (AAT7). Also called: AORTIC DISSECTION, FAMILIAL, WITH OR WITHOUT AORTIC ANEURYSM. Identifiers: MedGen C3151077, MONDO:0013418, OMIM 613780.

Allele frequency attached by ClinVar (database versions not stated): ExAC 0.00003; TOPMed 0.00005.
gnomAD v4.1: 39 of 1,613,992 alleles (0.0024%); highest among the groups gnomAD compares: Non-Finnish European, 0.0031%; no homozygotes.

Submissions (3):

Labcorp Genetics (formerly Invitae), Labcorp
Classification: Uncertain significance for Aortic aneurysm, familial thoracic 7. Last evaluated: 2025-12-22. Review status: criteria provided, single submitter. Criteria: Invitae Variant Classification Sherloc (09022015). Collection method: clinical testing. Allele origin: germline.
Comment: This sequence change replaces proline, which is neutral and non-polar, with glutamine, which is neutral and polar, at codon 203 of the MYLK protein (p.Pro203Gln). This variant is present in population databases (rs772426809, gnomAD 0.007%). This missense change has been observed in individual(s) with thoracic aortic aneurysm and dissection (internal data). ClinVar contains an entry for this variant (Variation ID: 471740). Invitae Evidence Modeling of protein sequence and biophysical properties (such as structural, functional, and spatial information, amino acid conservation, physicochemical variation, residue mobility, and thermodynamic stability) indicates that this missense variant is not expected to disrupt MYLK protein function with a negative predictive value of 95%. In summary, the available evidence is currently insufficient to determine the role of this variant in disease. Therefore, it has been classified as a Variant of Uncertain Significance.

Ambry Genetics
Classification: Uncertain significance for Familial thoracic aortic aneurysm and aortic dissection. Last evaluated: 2025-06-10. Review status: criteria provided, single submitter. Criteria: Ambry Variant Classification Scheme 2023. Collection method: clinical testing. Allele origin: germline.
Comment: The p.P203Q variant (also known as c.608C>A), located in coding exon 5 of the MYLK gene, results from a C to A substitution at nucleotide position 608. The proline at codon 203 is replaced by glutamine, an amino acid with similar properties. This amino acid position is conserved. In addition, this alteration is predicted to be tolerated by in silico analysis. Since supporting evidence is limited at this time, the clinical significance of this alteration remains unclear.

GeneDx
Classification: Uncertain significance. Last evaluated: 2023-05-30. Review status: criteria provided, single submitter. Criteria: GeneDx Variant Classification Process June 2021. Collection method: clinical testing. Allele origin: germline. Affected: yes.
Comment: Has not been previously published as pathogenic or benign to our knowledge; In silico analysis supports that this missense variant does not alter protein structure/function